The following is an entry in ClinVar:

ClinVar aggregate classification (germline): Uncertain significance (1 of 4 stars; one submission).

Submission:

GeneDx
Classification: Uncertain significance. Last evaluated: 2026-03-31. Review status: criteria provided, single submitter. Criteria: GeneDx Variant Classification Process June 2021. Collection method: clinical testing. Allele origin: germline.
Comment: Not observed at significant frequency in large population cohorts (gnomAD); In silico analysis supports that this missense variant has a deleterious effect on protein structure/function; Has not been previously published as pathogenic or benign to our knowledge

NM_006421.5(ARFGEF1):c.2113G>C (p.Gly705Arg)

Gene: ARFGEF1 (ARF guanine nucleotide exchange factor 1; minus strand). Cytogenetic location: 8q13.2.
Variant type: single nucleotide variant.
Coding change: c.2113G>C on transcript NM_006421.5 (MANE Select); coding-DNA position 2113, G replaced by C.
Protein change: p.Gly705Arg; replaces glycine 705 with arginine.
Molecular consequence: missense variant. On other transcripts: non-coding transcript variant (1).
Genome position (GRCh38, 1-based): chr8:67,266,016, C>G on the plus strand (G>C on the coding strand, the complement: ARFGEF1 is on the minus strand). VCF-style: chr8-67266016-C-G. GRCh37 (hg19) VCF-style: chr8-68178251-C-G.
Other names: c.2113G>C, p.Gly705Arg (NM_001413191.1, NM_001413192.1, NM_001413194.1 and 7 more transcripts); c.1513G>C, p.Gly505Arg (NM_001413193.1, NM_001413197.1, NM_001413188.1); c.688G>C, p.Gly230Arg (NM_001413196.1); short protein forms G230R, G505R, G705R.
Identifiers: ClinVar variation 5018051 (VCV005018051.1).